The following is an entry in ClinVar:

NM_201525.4(ADGRG1):c.1665G>T (p.Met555Ile)

Gene: ADGRG1 (adhesion G protein-coupled receptor G1; plus strand). Cytogenetic location: 16q21.
Variant type: single nucleotide variant.
Coding change: c.1665G>T on transcript NM_201525.4 (MANE Select); coding-DNA position 1665, G replaced by T.
Protein change: p.Met555Ile; replaces methionine 555 with isoleucine.
Molecular consequence: missense variant.
Genome position (GRCh38, 1-based): chr16:57,661,697, G>T. VCF-style: chr16-57661697-G-T. GRCh37 (hg19) VCF-style: chr16-57695609-G-T.
Other names: c.1665G>T, p.Met555Ile (NM_001145770.3, NM_001145772.3, NM_001145774.3 and 7 more transcripts); c.1683G>T, p.Met561Ile (NM_001145771.3, NM_001370428.1, NM_001370429.1 and 4 more transcripts); c.1680G>T, p.Met560Ile (NM_001145773.3, NM_001370433.1, NM_001370434.1); c.1173G>T, p.Met391Ile (NM_001290142.2); c.1158G>T, p.Met386Ile (NM_001290143.2); c.1140G>T, p.Met380Ile (NM_001290144.2, NM_001370451.1, NM_001370453.1 and 1 more transcripts); c.1662G>T, p.Met554Ile (NM_001370441.1); c.1509G>T, p.Met503Ile (NM_001370442.1); short protein forms M561I, M380I, M554I, M555I, M386I, M503I, M560I, M391I.
Identifiers: ClinVar variation 450489 (VCV000450489.3), dbSNP rs370457958, ClinGen allele CA8078834.

ClinVar aggregate classification (germline): Uncertain significance. Review status: criteria provided, single submitter (1 of 4 stars). 2 submissions from 2 submitters: Uncertain significance (1). 1 of the submissions does not count toward it. Last evaluated 2017-07-14.

Conditions:
Bilateral frontoparietal polymicrogyria. Also called: CEREBELLAR ATAXIA WITH NEURONAL MIGRATION DEFECT; CORTICAL DYSPLASIA, COMPLEX, WITH OTHER BRAIN MALFORMATIONS 14A (BILATERAL FRONTOPARIETAL). Identifiers: Orphanet 101070, MedGen C1847352, MONDO:0011738, OMIM 606854.

Allele frequency attached by ClinVar (database versions not stated): ExAC 0.00002; gnomAD exomes 0.00002; ESP Exome Variant Server 0.00008.
gnomAD v4.1: 4 of 1,613,354 alleles (0.00025%); highest among the groups gnomAD compares: African/African-American, 0.0027%; no homozygotes.

Submissions (2):

GeneDx
Classification: Uncertain significance. Last evaluated: 2017-07-14. Review status: criteria provided, single submitter. Criteria: GeneDx Variant Classification (06012015). Collection method: clinical testing. Allele origin: germline. Affected: yes.
Comment: The c.1683 G>T variant has not been published as a pathogenic variant, nor has it been reported as a benign variant to our knowledge. The c.1683 G>T variant is not observed at a significant frequency in large population cohorts (Lek et al., 2016; 1000 Genomes Consortium et al., 2015; Exome Variant Server). Multiple in-silico splice prediction models predict that c.1683 G>T damages the natural splice acceptor site and may lead to abnormal gene splicing. However, in the absence of RNA/functional studies the actual effect of c.1683 G>T on splicing in this individual is unknown. If c.1683 G>T does not alter splicing, it will result in the M561I missense change. The M561I variant is a conservative amino acid substitution, which is not likely to impact secondary protein structure as these residues share similar properties. However, this substitution occurs at a position that is conserved in mammals, and in silico analysis is inconsistent in its predictions as to whether or not the variant is damaging to the protein structure/function.

Natera, Inc.
Classification: Uncertain significance for Bilateral frontoparietal polymicrogyria. Last evaluated: 2019-10-28. Review status: no assertion criteria provided. Collection method: clinical testing. Allele origin: germline. Not counted in ClinVar's aggregate classification.